The following is an entry in ClinVar:

NM_174936.4(PCSK9):c.1864-13del

Gene: PCSK9 (proprotein convertase subtilisin/kexin type 9; plus strand). Cytogenetic location: 1p32.3.
Variant type: Deletion.
Coding change: c.1864-13del on transcript NM_174936.4 (MANE Select); 13 bases into the intron before coding-DNA position 1864, one base deleted (C; older notation c.1864-13delC).
Molecular consequence: intron variant.
Genome position (GRCh38, 1-based): chr1:55,063,356, C deleted. VCF-style (leftmost placement, unchanged base first): chr1-55063355-TC-T. GRCh37 (hg19) VCF-style: chr1-55529028-TC-T.
Other names: c.1363-13del (NM_001407247.1); c.1807-13del (NM_001407243.1); c.1672-13del (NM_001407245.1); c.1489-13del (NM_001407246.1); c.1987-13del (NM_001407240.1); c.1867-13del (NM_001407242.1); c.1906-13del (NM_001407241.1); c.1690-13del (NM_001407244.1).
Identifiers: ClinVar variation 3074530 (VCV003074530.1), dbSNP rs2523285560, ClinGen allele CA2645843544.

ClinVar aggregate classification (germline): Uncertain significance (1 of 4 stars; one submission).

Conditions:
Hypercholesterolemia, autosomal dominant, 3 (FHCL3). Also called: Familial Hypercholesterolemia, Autosomal Dominant, 3; PCSK9-Related Familial Hypercholesterolemia, Autosomal Dominant; Familial hypercholesterolemia 3. Identifiers: MedGen C1863551, MONDO:0011369, OMIM 603776.

Allele frequency attached by ClinVar (database versions not stated): gnomAD exomes below 0.00001.

Submission:

All of Us Research Program, National Institutes of Health
Classification: Uncertain significance for Hypercholesterolemia, autosomal dominant, 3. Last evaluated: 2023-11-20. Review status: criteria provided, single submitter. Criteria: ACMG Guidelines, 2015. Collection method: clinical testing. Allele origin: germline. Inheritance: Autosomal dominant inheritance. Observed: 1 variant allele, 1 heterozygote.
Comment: This variant deletes one nucleotide in intron 11 of the PCSK9 gene. To our knowledge, functional studies have not been reported for this variant. This variant has not been reported in individuals affected with PCSK9-related disorders in the literature. This variant has not been identified in the general population by the Genome Aggregation Database (gnomAD). The available evidence is insufficient to determine the role of this variant in disease conclusively. Therefore, this variant is classified as a Variant of Uncertain Significance.

This study involves interpretation of variants in research participants for the purpose of population health screening. Participant phenotype was not available at the time of variant classification. Additional details can be found in publication PMID: 35346344, PMCID: PMC8962531